The following is an entry in ClinVar:

NM_003640.5(ELP1):c.*1259C>G

Gene: ELP1 (elongator acetyltransferase complex subunit 1; minus strand). Cytogenetic location: 9q31.3.
Variant type: single nucleotide variant.
Coding change: c.*1259C>G on transcript NM_003640.5 (MANE Select); 1259 bases downstream of the stop codon, C replaced by G.
Molecular consequence: 3 prime UTR variant.
Genome position (GRCh38, 1-based): chr9:108,867,856, G>C on the plus strand (C>G on the coding strand, the complement: ELP1 is on the minus strand). VCF-style: chr9-108867856-G-C. GRCh37 (hg19) VCF-style: chr9-111630136-G-C.
Other names: c.*1259C>G (NM_001318360.2, NM_001330749.2, LRG_251t1).
Identifiers: ClinVar variation 364539 (VCV000364539.6), dbSNP rs13299652, ClinGen allele CA10632199.

ClinVar aggregate classification (germline): Benign. Review status: criteria provided, multiple submitters, no conflicts (2 of 4 stars). 2 submissions from 2 submitters: Benign (2). Last evaluated 2018-01-13.

Conditions:
Familial dysautonomia. Also called: HSAN III; FD. Identifiers: Orphanet 1764, MedGen C0013364, MONDO:0009131, OMIM 223900. Disease mechanism: loss of function.

Allele frequency attached by ClinVar (database versions not stated): gnomAD 0.07240 and 0.08141; TOPMed 0.07624; 1000 Genomes Project 30x 0.12258; 1000 Genomes Project 0.12560.

Submissions (2):

Illumina Laboratory Services, Illumina
Classification: Benign for Familial dysautonomia. Last evaluated: 2018-01-13. Review status: criteria provided, single submitter. Criteria: ICSL Variant Classification Criteria 13 December 2019. Collection method: clinical testing. Allele origin: germline.
Comment: This variant was observed in the ICSL laboratory as part of a predisposition screen in an ostensibly healthy population. It had not been previously curated by ICSL or reported in the Human Gene Mutation Database (HGMD: prior to June 1st, 2018), and was therefore a candidate for classification through an automated scoring system. Utilizing variant allele frequency, disease prevalence and penetrance estimates, and inheritance mode, an automated score was calculated to assess if this variant is too frequent to cause the disease. Based on the score and internal cut-off values, a variant classified as benign is not then subjected to further curation. The score for this variant resulted in a classification of benign for this disease.

Breakthrough Genomics
Classification: Benign. Review status: criteria provided, single submitter. Criteria: ACMG Guidelines, 2015. Collection method: not provided. Allele origin: germline. Inheritance: Autosomal recessive inheritance. Affected: yes.